The following is an entry in ClinVar:

NM_004415.4(DSP):c.5664T>A (p.Ser1888Arg)

Gene: DSP (desmoplakin; plus strand). Cytogenetic location: 6p24.3.
Variant type: single nucleotide variant.
Coding change: c.5664T>A on transcript NM_004415.4 (MANE Select); coding-DNA position 5664, T replaced by A.
Protein change: p.Ser1888Arg; replaces serine 1888 with arginine.
Molecular consequence: missense variant.
Genome position (GRCh38, 1-based): chr6:7,582,926, T>A. VCF-style: chr6-7582926-T-A. GRCh37 (hg19) VCF-style: chr6-7583159-T-A.
Other names: c.3867T>A, p.Ser1289Arg (NM_001008844.3); c.4335T>A, p.Ser1445Arg (NM_001319034.2); short protein forms S1289R, S1888R, S1445R.
Identifiers: ClinVar variation 2938816 (VCV002938816.20), dbSNP rs1445340832, ClinGen allele CA362689134.

ClinVar aggregate classification (germline): Uncertain significance. Review status: criteria provided, multiple submitters, no conflicts (2 of 4 stars). 3 submissions from 3 submitters: Uncertain significance (3). Last evaluated 2024-07-01.

Conditions:
Arrhythmogenic cardiomyopathy with wooly hair and keratoderma. Also called: Arrhythmogenic cardiomyopathy with woolly hair and keratoderma; PALMOPLANTAR KERATODERMA WITH LEFT VENTRICULAR CARDIOMYOPATHY AND WOOLLY HAIR; Carvajal syndrome; Dilated cardiomyopathy with woolly hair and keratoderma. Identifiers: Orphanet 65282, MedGen C1854063, MONDO:0011581, OMIM 605676.
Arrhythmogenic right ventricular dysplasia 8 (ARVD8). Also called: Arrhythmogenic Right Ventricular Dysplasia/Cardiomyopathy 8; ARRHYTHMOGENIC RIGHT VENTRICULAR CARDIOMYOPATHY 8; ARRHYTHMOGENIC RIGHT VENTRICULAR DYSPLASIA, FAMILIAL, 8. Identifiers: MedGen C1843896, MONDO:0011831, OMIM 607450.

Allele frequency attached by ClinVar (database versions not stated): gnomAD 0.00001.
gnomAD v4.1: 5 of 1,610,118 alleles (0.00031%); highest among the groups gnomAD compares: East Asian, 0.0022%; no homozygotes.

Submissions (3):

CeGaT Center for Human Genetics Tuebingen
Classification: Uncertain significance. Last evaluated: 2024-07-01. Review status: criteria provided, single submitter. Criteria: CeGaT Center For Human Genetics Tuebingen Variant Classification Criteria Version 2. Collection method: clinical testing. Allele origin: germline. Affected: yes. Observed: 1 variant allele.

Labcorp Genetics (formerly Invitae), Labcorp
Classification: Uncertain significance for Arrhythmogenic cardiomyopathy with wooly hair and keratoderma; Arrhythmogenic right ventricular dysplasia 8. Last evaluated: 2024-01-04. Review status: criteria provided, single submitter. Criteria: Invitae Variant Classification Sherloc (09022015). Collection method: clinical testing. Allele origin: germline.
Comment: This sequence change replaces serine, which is neutral and polar, with arginine, which is basic and polar, at codon 1888 of the DSP protein (p.Ser1888Arg). This variant is not present in population databases (gnomAD no frequency). This variant has not been reported in the literature in individuals affected with DSP-related conditions. An algorithm developed to predict the effect of missense changes on protein structure and function (PolyPhen-2) suggests that this variant is likely to be disruptive. In summary, the available evidence is currently insufficient to determine the role of this variant in disease. Therefore, it has been classified as a Variant of Uncertain Significance.

All of Us Research Program, National Institutes of Health
Classification: Uncertain significance for Arrhythmogenic cardiomyopathy with wooly hair and keratoderma. Last evaluated: 2023-12-13. Review status: criteria provided, single submitter. Criteria: ACMG Guidelines, 2015. Collection method: clinical testing. Allele origin: germline. Inheritance: Autosomal dominant inheritance. Observed: 2 variant alleles, 2 heterozygotes.
Comment: This missense variant replaces serine with arginine at codon 1888 of the DSP protein. Computational prediction suggests that this variant may not impact protein structure and function (internally defined REVEL score threshold <= 0.5, PMID: 27666373). To our knowledge, functional studies have not been reported for this variant. This variant has not been reported in individuals affected with DSP-related disorders in the literature. This variant has not been identified in the general population by the Genome Aggregation Database (gnomAD). The available evidence is insufficient to determine the role of this variant in disease conclusively. Therefore, this variant is classified as a Variant of Uncertain Significance.

This study involves interpretation of variants in research participants for the purpose of population health screening. Participant phenotype was not available at the time of variant classification. Additional details can be found in publication PMID: 35346344, PMCID: PMC8962531